The following is an entry in ClinVar:

NM_001205293.3(CACNA1E):c.6140A>T (p.Tyr2047Phe)

Gene: CACNA1E (calcium voltage-gated channel subunit alpha1 E; plus strand). Cytogenetic location: 1q25.3.
Variant type: single nucleotide variant.
Coding change: c.6140A>T on transcript NM_001205293.3 (MANE Select); coding-DNA position 6140, A replaced by T.
Protein change: p.Tyr2047Phe; replaces tyrosine 2047 with phenylalanine.
Molecular consequence: missense variant.
Genome position (GRCh38, 1-based): chr1:181,794,976, A>T. VCF-style: chr1-181794976-A-T. GRCh37 (hg19) VCF-style: chr1-181764112-A-T.
Other names: c.6011A>T, p.Tyr2004Phe (NM_000721.4); c.5954A>T, p.Tyr1985Phe (NM_001205294.2); short protein forms Y1985F, Y2004F, Y2047F.
Identifiers: ClinVar variation 3252945 (VCV003252945.1), dbSNP rs769258344.

ClinVar aggregate classification (germline): Uncertain significance (1 of 4 stars; one submission).

Submission:

GeneDx
Classification: Uncertain significance. Last evaluated: 2023-06-16. Review status: criteria provided, single submitter. Criteria: GeneDx Variant Classification Process June 2021. Collection method: clinical testing. Allele origin: germline. Affected: yes.
Comment: Not observed at significant frequency in large population cohorts (gnomAD); In silico analysis supports that this missense variant does not alter protein structure/function; Has not been previously published as pathogenic or benign to our knowledge